The following is an entry in ClinVar:

ClinVar aggregate classification (germline): Uncertain significance (1 of 4 stars; one submission).

Allele frequency attached by ClinVar (database versions not stated): gnomAD exomes below 0.00001.
gnomAD v4.1: 1 of 1,497,924 alleles (0.000067%); highest among the groups gnomAD compares: South Asian, 0.0013%; no homozygotes.

Submission:

Ambry Genetics
Classification: Uncertain significance. Last evaluated: 2024-02-01. Review status: criteria provided, single submitter. Criteria: Ambry Variant Classification Scheme 2023. Collection method: clinical testing. Allele origin: germline.
Comment: The p.Y74H variant (also known as c.220T>C), located in coding exon 4 of the FAM175A gene, results from a T to C substitution at nucleotide position 220. The tyrosine at codon 74 is replaced by histidine, an amino acid with similar properties. This amino acid position is conserved. In addition, the in silico prediction for this alteration is inconclusive. Based on the available evidence, the clinical significance of this alteration remains unclear.

NM_139076.3(ABRAXAS1):c.220T>C (p.Tyr74His)

Gene: ABRAXAS1 (abraxas 1, BRCA1 A complex subunit; minus strand). Cytogenetic location: 4q21.23.
Variant type: single nucleotide variant.
Coding change: c.220T>C on transcript NM_139076.3 (MANE Select); coding-DNA position 220, T replaced by C.
Protein change: p.Tyr74His; replaces tyrosine 74 with histidine.
Molecular consequence: missense variant. On other transcripts: intron variant (1).
Genome position (GRCh38, 1-based): chr4:83,472,284, A>G on the plus strand (T>C on the coding strand, the complement: ABRAXAS1 is on the minus strand). VCF-style: chr4-83472284-A-G. GRCh37 (hg19) VCF-style: chr4-84393437-A-G.
Other names: c.-45-1888T>C (NM_001345962.2); short protein forms Y74H.
Identifiers: ClinVar variation 3229144 (VCV003229144.1), dbSNP rs2529443257, ClinGen allele CA357261157.